The following is an entry in ClinVar:

ClinVar aggregate classification (germline): Conflicting classifications of pathogenicity. Review status: criteria provided, conflicting classifications (1 of 4 stars). 3 submissions from 3 submitters: Uncertain significance (2); Likely benign (1). Last evaluated 2025-08-18.

Conditions:
Developmental and epileptic encephalopathy, 36 (DEE36). Also called: Epileptic encephalopathy, early infantile, 36; ALG13-CDG; Congenital disorder of glycosylation, type Is. Identifiers: Orphanet 324422, MedGen C4317295, MONDO:0010472, OMIM 300884.

Allele frequency attached by ClinVar (database versions not stated): ExAC 0.00002; gnomAD 0.00013 and 0.00011; TOPMed 0.00016; ESP Exome Variant Server 0.00025; gnomAD exomes 0.00002.
gnomAD v4.1: 37 of 1,209,345 alleles (0.0031%); highest among the groups gnomAD compares: African/African-American, 0.058%; no homozygotes.

Submissions (3):

Labcorp Genetics (formerly Invitae), Labcorp
Classification: Likely benign for Developmental and epileptic encephalopathy, 36. Last evaluated: 2025-08-18. Review status: criteria provided, single submitter. Criteria: Invitae Variant Classification Sherloc (09022015). Collection method: clinical testing. Allele origin: germline.

ARUP Laboratories, Molecular Genetics and Genomics, ARUP Laboratories
Classification: Uncertain significance for Developmental and epileptic encephalopathy, 36. Last evaluated: 2024-06-06. Review status: criteria provided, single submitter. Criteria: ARUP Molecular Germline Variant Investigation Process 2024. Collection method: clinical testing. Allele origin: germline.

GeneDx
Classification: Uncertain significance. Last evaluated: 2021-01-07. Review status: criteria provided, single submitter. Criteria: GeneDx Variant Classification Process June 2021. Collection method: clinical testing. Allele origin: germline. Affected: yes.
Comment: In silico analysis supports that this missense variant has a deleterious effect on protein structure/function; Has not been previously published as pathogenic or benign to our knowledge

NM_001099922.3(ALG13):c.1955G>A (p.Gly652Asp)

Gene: ALG13 (ALG13 UDP-N-acetylglucosaminyltransferase subunit; plus strand). Cytogenetic location: Xq23.
Variant type: single nucleotide variant.
Coding change: c.1955G>A on transcript NM_001099922.3 (MANE Select); coding-DNA position 1955, G replaced by A.
Protein change: p.Gly652Asp; replaces glycine 652 with aspartic acid.
Molecular consequence: missense variant. On other transcripts: non-coding transcript variant (1).
Genome position (GRCh38, 1-based): chrX:111,727,034, G>A. VCF-style: chrX-111727034-G-A. GRCh37 (hg19) VCF-style: chrX-110970262-G-A.
Other names: c.1643G>A, p.Gly548Asp (NM_001257230.2, NM_001257234.2, NM_001257237.2); c.1721G>A, p.Gly574Asp (NM_001257231.2); c.1955G>A, p.Gly652Asp (NM_001324292.2); c.1469G>A, p.Gly490Asp (NM_001324293.1); short protein forms G548D, G652D, G490D, G574D.
Identifiers: ClinVar variation 639138 (VCV000639138.13), dbSNP rs372209528, ClinGen allele CA10493795.
Genomic context (GRCh38, chrX:111,727,034, plus strand): 5'-CAGCTGGCAATGTTATGTCTAATGAACATTTTCATCCTCAGCATCCATCTCCGAGACAAG[G>A]TCGGGGATATGGGATGCCCAGGTAAGACATTGACAGATTTGTATTTTCATGGTCTAGGGA-3'
Protein context (NP_001093392.1, residues 642-662): FHPQHPSPRQ[Gly652Asp]RGYGMPRNSS